The following continues an entry in ClinVar:

NM_000157.4(GBA1):c.754T>A (p.Phe252Ile)

ClinVar aggregate classification (germline): Pathogenic/Likely pathogenic. Pathogenic (11); Likely pathogenic (1).

Submissions 8 to 16 of 16:

Broad Center for Mendelian Genomics, Broad Institute of MIT and Harvard
Classification: Pathogenic for Gaucher disease. Last evaluated: 2020-01-22. Review status: criteria provided, single submitter. Criteria: ACMG Guidelines, 2015. Collection method: curation. Allele origin: germline. Inheritance: Autosomal recessive inheritance.
Comment: The p.Phe2252Ile variant in GBA has been reported in at least 17 individuals with Gaucher disease and has been identified in 0.010% (2/19954) of East Asian chromosomes by the Genome Aggregation Database (gnomAD; dbSNP rs381737). Although this variant has been seen in the general population, its frequency is low enough to be consistent with a recessive carrier frequency. This variant has also been reported in ClinVar (VariationID: 4301) as pathogenic by EGL Genetic Diagnostics and OMIM. In vitro functional studies provide some evidence that the p.Phe252Ile variant may impact protein function (PMID: 15276648). However, these types of assays may not accurately represent biological function. Computational prediction tools suggest that this variant may impact the protein, though this information is not predictive enough to determine pathogenicity. The Phe at position 252 is highly conserved in mammals and evolutionary distant species, but 1 mammal (Chimp) carries an Ile, raising the possibility that this change at this position may be tolerated. The presence of this variant in 4 affected homozygotes and in combination with reported pathogenic variants in 8 individuals with Gaucher disease increases the likelihood that the p.Phe252Ile variant is pathogenic (VariationID: 4296, 4288, 4327, 4328; PMID: 17689991, 20729108, 15954102, 30949558, 30764785, 29685539). The phenotype of individuals homozygous and compound heterozygous for this variant is highly specific for Gaucher disease based on significantly reduced levels of beta-glucosidase in patient leukocytes consistent with disease (PMID: 17689991, 30764785, 15954102). In summary, this variant meets criteria to be classified as pathogenic for Gaucher disease in an autosomal recessive manner based on the presence of the variant in combination with other pathogenic variants, in vitro functional studies, and the phenotype of individuals with the variant being highly specific for Gaucher disease. ACMG/AMP Criteria applied: PM3_very-strong, PS3_moderate, PM2_supporting, PP4 (Richards 2015).

Women's Health and Genetics/Laboratory Corporation of America, LabCorp
Classification: Pathogenic for Gaucher disease. Last evaluated: 2020-01-18. Review status: criteria provided, single submitter. Criteria: LabCorp Variant Classification Summary - May 2015. Collection method: clinical testing. Allele origin: germline.
Comment: Variant summary: GBA c.754T>A (p.Phe252Ile) results in a non-conservative amino acid change located in the Glycosyl hudrolase family 30, TIM-barrel domain (IPR033453) of the encoded protein sequence. Three of five in-silico tools predict a damaging effect of the variant on protein function. The variant allele was found at a frequency of 4.4e-05 in 251488 control chromosomes. This frequency is not significantly higher than expected for a pathogenic variant in GBA causing Gaucher Disease (4.4e-05 vs 0.005), allowing no conclusion about variant significance. These data indicate that the variant is very likely to be associated with disease. At least one publication reports experimental evidence evaluating an impact on protein function. The most pronounced variant effect results in <10% of normal activity in transient expression of Glucocerebrosidase activity in transfected COS-1 cells (example, Kawame_1991). One clinical diagnostic laboratory has submitted clinical-significance assessments for this variant to ClinVar after 2014 without evidence for independent evaluation and classified the variant as pathogenic using overlapping evidence utilized in the context of this evaluation. Based on the evidence outlined above, the variant was classified as pathogenic.

Blueprint Genetics
Classification: Pathogenic for GBA-related disorders. Last evaluated: 2019-03-12. Review status: criteria provided, single submitter. Criteria: ACMG Guidelines, 2015. Collection method: clinical testing. Allele origin: germline. Affected: yes. Observed: 5 variant alleles.

Ambry Genetics
Classification: Likely pathogenic. Last evaluated: 2018-02-19. Review status: criteria provided, single submitter. Criteria: Ambry Variant Classification Scheme 2023. Collection method: clinical testing. Allele origin: germline.
Comment: The p.F252I variant (also known as c.754T>A, p.F213I, and c.3548T>A), located in coding exon 6 of the GBA gene, results from a T to A substitution at nucleotide position 754. The phenylalanine at codon 252 is replaced by isoleucine, an amino acid with highly similar properties. This alteration has been detected in individuals with confirmed diagnoses of Gaucher disease, in both homozygous and compound heterozygous states (Suwannarat P et al. Blood Cells Mol. Dis. Aug;39:348-52; Ortiz-Cabrera NV et al. Mol Genet Metab Rep, 2016 Dec;9:79-85; Santamaria R et al. Hum. Mutat., 2008 Jun;29:E58-67; Tang NL et al. Hum. Mutat., 2005 Jul;26:59-60; Kawame H et al. Am. J. Hum. Genet., 1991 Dec;49:1378-80; Latham TE et al. DNA Cell Biol.;10:15-21). In addition, in one study authors showed that, when this alteration was transfected into COS-1 cells, the glucosidase activity failed to increase as efficiently as normal cDNA (Kawame H et al. Am. J. Hum. Genet., 1991 Dec;49:1378-80). Of note, this alteration has also been detected in GBA pseudogene. This amino acid position is well conserved in available vertebrate species. In addition, this alteration is predicted to be deleterious by in silico analysis. Based on the majority of available evidence to date, this variant is likely to be pathogenic.

Eurofins Ntd Llc (ga)
Classification: Pathogenic. Last evaluated: 2014-04-16. Review status: criteria provided, single submitter. Criteria: EGL Classification Definitions. Collection method: clinical testing. Allele origin: germline. Observed: 6 variant alleles, 3 heterozygotes, 3 homozygotes.

OMIM
Classification: Pathogenic for GAUCHER DISEASE, TYPE III. Last evaluated: 1992-01-01. Review status: no assertion criteria provided. Collection method: literature only. Allele origin: germline. Not counted in ClinVar's aggregate classification.

OMIM
Classification: Pathogenic for GAUCHER DISEASE, TYPE II. Last evaluated: 1992-01-01. Review status: no assertion criteria provided. Collection method: literature only. Allele origin: germline. Not counted in ClinVar's aggregate classification.

OMIM
Classification: Pathogenic for GAUCHER DISEASE, TYPE I. Last evaluated: 1992-01-01. Review status: no assertion criteria provided. Collection method: literature only. Allele origin: germline. Not counted in ClinVar's aggregate classification.

GeneReviews
No classification provided. Condition: Gaucher disease. Review status: no classification provided. Collection method: literature only. Allele origin: germline. Not counted in ClinVar's aggregate classification.

Literature cited by the submitters: PubMed 1840477 (cited by 5 submitters); PubMed 23430543 (cited by 3billion and Labcorp Genetics (formerly Invitae), Labcorp); PubMed 30537300 (cited by 3billion and Women's Health and Genetics/Laboratory Corporation of America, LabCorp); PubMed 1301953 (cited by 3 submitters); PubMed 12204005 (cited by Labcorp Genetics (formerly Invitae), Labcorp and Women's Health and Genetics/Laboratory Corporation of America, LabCorp); PubMed 17689991 (cited by 6 submitters); PubMed 29140481 (cited by Labcorp Genetics (formerly Invitae), Labcorp); PubMed 30023299 (cited by Natera, Inc.); PubMed 32165122 (cited by Natera, Inc.); PubMed 38053927 (cited by Illumina Laboratory Services, Illumina); PubMed 29685539 (cited by Illumina Laboratory Services, Illumina and Broad Center for Mendelian Genomics, Broad Institute of MIT and Harvard); PubMed 20729108 (cited by Illumina Laboratory Services, Illumina and Broad Center for Mendelian Genomics, Broad Institute of MIT and Harvard); PubMed 30764785 (cited by 3 submitters); PubMed 15954102 (cited by Broad Center for Mendelian Genomics, Broad Institute of MIT and Harvard and Ambry Genetics); PubMed 30949558 (cited by Broad Center for Mendelian Genomics, Broad Institute of MIT and Harvard); PubMed 15276648 (cited by Broad Center for Mendelian Genomics, Broad Institute of MIT and Harvard); PubMed 18429048 (cited by Ambry Genetics); PubMed 1899336 (cited by Ambry Genetics); PubMed 19830760 (cited by Ambry Genetics); PubMed 22623374 (cited by Ambry Genetics); PubMed 27802905 (cited by Ambry Genetics); PubMed 27872820 (cited by Ambry Genetics).